The following is an entry in ClinVar:

NM_014915.3(ANKRD26):c.4834G>T (p.Val1612Leu)

Gene: ANKRD26 (ankyrin repeat domain containing 26; minus strand). Cytogenetic location: 10p12.1.
Variant type: single nucleotide variant.
Coding change: c.4834G>T on transcript NM_014915.3 (MANE Select); coding-DNA position 4834, G replaced by T.
Protein change: p.Val1612Leu; replaces valine 1612 with leucine.
Molecular consequence: missense variant.
Genome position (GRCh38, 1-based): chr10:27,013,001, C>A on the plus strand (G>T on the coding strand, the complement: ANKRD26 is on the minus strand). VCF-style: chr10-27013001-C-A. GRCh37 (hg19) VCF-style: chr10-27301930-C-A.
Other names: c.4831G>T, p.Val1611Leu (NM_001256053.2); short protein forms V1611L, V1612L.
Identifiers: ClinVar variation 3914929 (VCV003914929.1).

ClinVar aggregate classification (germline): Uncertain significance (1 of 4 stars; one submission).

Conditions:
Inborn genetic diseases. Identifiers: MedGen C0950123, MeSH D030342.

Submission:

Ambry Genetics
Classification: Uncertain significance for Inborn genetic diseases. Last evaluated: 2025-05-31. Review status: criteria provided, single submitter. Criteria: Ambry Variant Classification Scheme 2023. Collection method: clinical testing. Allele origin: germline.
Comment: The p.V1612L variant (also known as c.4834G>T), located in coding exon 32 of the ANKRD26 gene, results from a G to T substitution at nucleotide position 4834. The valine at codon 1612 is replaced by leucine, an amino acid with highly similar properties. This amino acid position is conserved. In addition, this alteration is predicted to be tolerated by in silico analysis. Based on the available evidence, the clinical significance of this variant remains unclear.